The following is an entry in ClinVar:

ClinVar aggregate classification (germline): Likely benign (1 of 4 stars; one submission).

Allele frequency attached by ClinVar (database versions not stated): TOPMed 0.00049; 1000 Genomes Project 0.00100; gnomAD 0.00146 and 0.00150.
gnomAD v4.1: 223 of 152,096 alleles (0.15%); highest among the groups gnomAD compares: East Asian, 0.39%; 2 homozygotes.

Submission:

GeneDx
Classification: Likely benign. Last evaluated: 2018-06-16. Review status: criteria provided, single submitter. Criteria: GeneDx Variant Classification (06012015). Collection method: clinical testing. Allele origin: germline. Affected: yes.
Comment: This variant is considered likely benign or benign based on one or more of the following criteria: it is a conservative change, it occurs at a poorly conserved position in the protein, it is predicted to be benign by multiple in silico algorithms, and/or has population frequency not consistent with disease.

NM_001267550.2(TTN):c.44815+175A>T

Gene: TTN (titin; minus strand). Cytogenetic location: 2q31.2.
Variant type: single nucleotide variant.
Coding change: c.44815+175A>T on transcript NM_001267550.2 (MANE Select); 175 bases into the intron after coding-DNA position 44815, A replaced by T.
Molecular consequence: intron variant.
Genome position (GRCh38, 1-based): chr2:178,624,290, T>A on the plus strand (A>T on the coding strand, the complement: TTN is on the minus strand). VCF-style: chr2-178624290-T-A. GRCh37 (hg19) VCF-style: chr2-179489017-T-A.
Other names: c.17620+175A>T (NM_003319.4); c.18196+175A>T (NM_133437.4); c.17995+175A>T (NM_133432.3); c.37111+175A>T (NM_133378.4); c.39892+175A>T (NM_001256850.1).
Identifiers: ClinVar variation 676349 (VCV000676349.1), dbSNP rs149450173, ClinGen allele CA60996611.
Genomic context (GRCh38, chr2:178,624,290, plus strand): 5'-GAAGCATAGGGAAAAGTGATTGCTCCATCATTAATCAGACCAGACATAGAATAAGACTTT[T>A]CTTTTCTTTTTTTCTTTAAACACATAAAGGATCAGGTTAGGTCAGTGTCAATACTAGAAG-3'